The following is an entry in ClinVar:

ClinVar aggregate classification (germline): Uncertain significance. Review status: criteria provided, multiple submitters, no conflicts (2 of 4 stars). 2 submissions from 2 submitters: Uncertain significance (2). Last evaluated 2022-08-15.

Conditions:
Idiopathic generalized epilepsy. Also called: Generalised epilepsy; EIG. Identifiers: MedGen C0270850, MONDO:0005579, OMIM 600669.
Hyperaldosteronism, familial, type IV (HALD4). Also called: FH IV; ALDOSTERONISM, PRIMARY, AND HYPERTENSION. Identifiers: Orphanet 642671, MedGen C4310756, MONDO:0014875, OMIM 617027.

Submissions (2):

Labcorp Genetics (formerly Invitae), Labcorp
Classification: Uncertain significance for Idiopathic generalized epilepsy; Hyperaldosteronism, familial, type IV. Last evaluated: 2022-08-15. Review status: criteria provided, single submitter. Criteria: Invitae Variant Classification Sherloc (09022015). Collection method: clinical testing. Allele origin: germline.
Comment: The frequency data for this variant in the population databases is considered unreliable, as metrics indicate poor data quality at this position in the gnomAD database. This variant has not been reported in the literature in individuals affected with CACNA1H-related conditions. ClinVar contains an entry for this variant (Variation ID: 1316001). Experimental studies and prediction algorithms are not available or were not evaluated, and the functional significance of this variant is currently unknown. In summary, the available evidence is currently insufficient to determine the role of this variant in disease. Therefore, it has been classified as a Variant of Uncertain Significance. This sequence change creates a premature translational stop signal (p.Asp2243Glyfs*17) in the CACNA1H gene. While this is not anticipated to result in nonsense mediated decay, it is expected to disrupt the last 111 amino acid(s) of the CACNA1H protein.

GeneDx
Classification: Uncertain significance. Last evaluated: 2020-01-12. Review status: criteria provided, single submitter. Criteria: GeneDx Variant Classification Process June 2021. Collection method: clinical testing. Allele origin: germline. Affected: yes.
Comment: Frameshift variant predicted to result in protein truncation as the last 111 amino acids are lost and replaced with 16 incorrect amino acids, although loss-of-function variants have not been reported downstream of this position in the protein; Has not been previously published as pathogenic or benign to our knowledge

NM_021098.3(CACNA1H):c.6727dup (p.Asp2243fs)

Gene: CACNA1H (calcium voltage-gated channel subunit alpha1 H; plus strand). Cytogenetic location: 16p13.3.
Variant type: Duplication.
Coding change: c.6727dup on transcript NM_021098.3 (MANE Select); coding-DNA position 6727, one base duplicated (G; older notation c.6727dupG).
Protein change: p.Asp2243fs; shifts the reading frame from aspartic acid 2243.
Molecular consequence: frameshift variant.
Genome position (GRCh38, 1-based): chr16:1,220,659, G duplicated; the last of 7 consecutive G bases (chr16:1,220,653-1,220,659); duplicating any one gives the same sequence. VCF-style (leftmost placement, unchanged base first): chr16-1220652-C-CG. GRCh37 (hg19) VCF-style: chr16-1270652-C-CG.
Other names: c.6709dup, p.Asp2237fs (NM_001005407.2); short protein forms D2237fs, D2243fs.
Identifiers: ClinVar variation 1316001 (VCV001316001.6), dbSNP rs753624103, ClinGen allele CA7802473.